The following is an entry in ClinVar:

ClinVar aggregate classification (germline): Pathogenic (1 of 4 stars; one submission).

Conditions:
Familial focal epilepsy with variable foci (FPEVF). Identifiers: Orphanet 98820, MedGen C1858477, MONDO:0020310.

Submission:

Labcorp Genetics (formerly Invitae), Labcorp
Classification: Pathogenic for Familial focal epilepsy with variable foci. Last evaluated: 2022-08-05. Review status: criteria provided, single submitter. Criteria: Invitae Variant Classification Sherloc (09022015). Collection method: clinical testing. Allele origin: germline.
Comment: This sequence change creates a premature translational stop signal (p.Trp267*) in the DEPDC5 gene. It is expected to result in an absent or disrupted protein product. Loss-of-function variants in DEPDC5 are known to be pathogenic (PMID: 23542697, 23542701). This variant is not present in population databases (gnomAD no frequency). This variant has not been reported in the literature in individuals affected with DEPDC5-related conditions. ClinVar contains an entry for this variant (Variation ID: 1068966). For these reasons, this variant has been classified as Pathogenic.

Literature cited by the submitters: PubMed 23542697; PubMed 23542701.

NM_001242896.3(DEPDC5):c.800G>A (p.Trp267Ter)

Gene: DEPDC5 (DEP domain containing 5, GATOR1 subcomplex subunit; plus strand). Cytogenetic location: 22q12.2.
Variant type: single nucleotide variant.
Coding change: c.800G>A on transcript NM_001242896.3 (MANE Select); coding-DNA position 800, G replaced by A.
Protein change: p.Trp267Ter; replaces tryptophan 267 with a stop codon.
Molecular consequence: nonsense. On other transcripts: non-coding transcript variant (5).
Genome position (GRCh38, 1-based): chr22:31,797,632, G>A. VCF-style: chr22-31797632-G-A. GRCh37 (hg19) VCF-style: chr22-32193618-G-A.
Other names: c.800G>A, p.Trp267Ter (NM_001007188.4, NM_001136029.4, NM_001242897.2 and 7 more transcripts); c.716G>A, p.Trp239Ter (NM_001369901.1, NM_001369902.1); short protein forms W239*, W267*.
Identifiers: ClinVar variation 1068966 (VCV001068966.7), dbSNP rs2148574616, ClinGen allele CA411290572.
Genomic context (GRCh38, chr22:31,797,632, plus strand): 5'-ATCCATTTTATGATAATACTCTTTTCAGAGTGGTGGTGCAGAATGAGAGAAGAGAAGAAT[G>A]GACTTCACTTCTCGTAACCATTAAAAAACTCTTCATCCAGTATCCAGTGTTGGTGCGACT-3'